The following is an entry in ClinVar:

ClinVar aggregate classification (germline): Pathogenic/Likely pathogenic. Review status: criteria provided, multiple submitters, no conflicts (2 of 4 stars). 4 submissions from 4 submitters: Pathogenic (2); Likely pathogenic (1). 1 of the submissions does not count toward it. Last evaluated 2025-07-13.

Conditions:
Griscelli syndrome type 2 (GS2). Also called: PAID SYNDROME; PARTIAL ALBINISM AND IMMUNODEFICIENCY SYNDROME; GRISCELLI SYNDROME WITH HEMOPHAGOCYTIC SYNDROME. Identifiers: Orphanet 381, Orphanet 79477, MedGen C1868679, MONDO:0011872, OMIM 607624.

Allele frequency attached by ClinVar (database versions not stated): gnomAD exomes below 0.00001 and 0.00002; ExAC 0.00001; TOPMed 0.00001.
gnomAD v4.1: 26 of 1,613,418 alleles (0.0016%); highest among the groups gnomAD compares: Non-Finnish European, 0.0022%; no homozygotes.

Submissions (4):

Labcorp Genetics (formerly Invitae), Labcorp
Classification: Pathogenic for Griscelli syndrome type 2. Last evaluated: 2025-07-13. Review status: criteria provided, single submitter. Criteria: Invitae Variant Classification Sherloc (09022015). Collection method: clinical testing. Allele origin: germline.
Comment: This sequence change affects a donor splice site in intron 5 of the RAB27A gene. While this variant is not anticipated to result in nonsense mediated decay, it likely alters RNA splicing and results in a disrupted protein product. This variant is not present in population databases (gnomAD no frequency). Disruption of this splice site has been observed in individual(s) with clinical features of Griscelli syndrome type 2 (PMID: 10835631, 15163896, 30104219, 30934652). In at least one individual the data is consistent with being in trans (on the opposite chromosome) from a pathogenic variant. ClinVar contains an entry for this variant (Variation ID: 582014). Variants that disrupt the consensus splice site are a relatively common cause of aberrant splicing (PMID: 17576681, 9536098). Algorithms developed to predict the effect of sequence changes on RNA splicing suggest that this variant may disrupt the consensus splice site. For these reasons, this variant has been classified as Pathogenic.

Women's Health and Genetics/Laboratory Corporation of America, LabCorp
Classification: Pathogenic for Griscelli syndrome type 2. Last evaluated: 2022-02-01. Review status: criteria provided, single submitter. Criteria: LabCorp Variant Classification Summary - May 2015. Collection method: clinical testing. Allele origin: germline.
Comment: Variant summary: RAB27A c.467+1G>C is located in a canonical splice-site at the junction of the penultimate exon and the last intron, and is predicted to affect mRNA splicing resulting in a significantly altered protein due to either exon skipping, shortening, or inclusion of intronic material. Several computational tools predict a significant impact on normal splicing: Four predict the variant abolishes a canonical 5' splicing donor site. However, these predictions have yet to be confirmed by functional studies. The variant allele was found at a frequency of 4e-06 in 251162 control chromosomes (gnomAD). c.467+1G>C has been reported in the literature in multiple homozygous- and a compound heterozygous individuals affected with Griscelli Syndrome Type 2 (e.g. Menasche_2000, Sepulveda_2012, Bizario_2004, Gironi_2019, Blincoe_2020). In one of the compound heterozygous patients, who carried a nonsense variant in trans, a strong deficiency in CD8+ T cell cytotoxicity was demonstrated, which could be rescued by RAB27A gene transfer (Bizario_2004). These data indicate that the variant is very likely to be associated with disease. One clinical diagnostic laboratory has submitted clinical-significance assessments for this variant to ClinVar after 2014 and classified the variant as likely pathogenic. Based on the evidence outlined above, the variant was classified as pathogenic.

Laboratorio de Genetica e Diagnostico Molecular, Hospital Israelita Albert Einstein
Classification: Likely pathogenic. Last evaluated: 2020-01-05. Review status: criteria provided, single submitter. Criteria: ACMG Guidelines, 2015. Collection method: clinical testing. Allele origin: germline. Affected: yes.
Comment: ACMG classification criteria: PVS1, PS4, PM2, PM3

OMIM
Classification: Pathogenic for GRISCELLI SYNDROME, TYPE 2. Last evaluated: 2004-07-01. Review status: no assertion criteria provided. Collection method: literature only. Allele origin: germline. Not counted in ClinVar's aggregate classification.

Literature cited by the submitters: PubMed 10835631 (cited by 3 submitters); PubMed 15163896 (cited by 3 submitters); PubMed 30104219 (cited by Labcorp Genetics (formerly Invitae), Labcorp); PubMed 30934652 (cited by Labcorp Genetics (formerly Invitae), Labcorp and Women's Health and Genetics/Laboratory Corporation of America, LabCorp); PubMed 17576681 (cited by Labcorp Genetics (formerly Invitae), Labcorp); PubMed 9536098 (cited by Labcorp Genetics (formerly Invitae), Labcorp); PubMed 32638196 (cited by Women's Health and Genetics/Laboratory Corporation of America, LabCorp); PubMed 23160464 (cited by Women's Health and Genetics/Laboratory Corporation of America, LabCorp).

NM_183235.3(RAB27A):c.467+1G>C

Gene: RAB27A (RAB27A, member RAS oncogene family; minus strand). Cytogenetic location: 15q21.3.
Variant type: single nucleotide variant.
Coding change: c.467+1G>C on transcript NM_183235.3 (MANE Select); the canonical splice donor site of the intron after coding-DNA position 467, G replaced by C.
Molecular consequence: splice donor variant.
Genome position (GRCh38, 1-based): chr15:55,223,888, C>G on the plus strand (G>C on the coding strand, the complement: RAB27A is on the minus strand). VCF-style: chr15-55223888-C-G. GRCh37 (hg19) VCF-style: chr15-55516086-C-G.
Other names: IVS5, G-C, +1; c.467+1G>C (NM_001438970.1, NM_001438977.1, NM_001438975.1 and 11 more transcripts).
Identifiers: ClinVar variation 582014 (VCV000582014.15), dbSNP rs756071120, ClinGen allele CA7573569.
Genomic context (GRCh38, chr15:55,223,888, plus strand): 5'-TTCACCTGCTAATGTTTATATTGAAAATGTTTTCTCTAGACTTCTCCACAAAAATACTCA[C>G]CCATATTTCTCTGCGAGTGCTATGGCTTCCTCCTCTTTCACTACTCTCTGGTCCTCCAGA-3'